The following is an entry in ClinVar:

ClinVar aggregate classification (germline): Uncertain significance (1 of 4 stars; one submission).

gnomAD v4.1: 1 of 1,613,284 alleles (0.000062%); highest among the groups gnomAD compares: African/African-American, 0.0013%; no homozygotes.

Submission:

GeneDx
Classification: Uncertain significance. Last evaluated: 2024-05-01. Review status: criteria provided, single submitter. Criteria: GeneDx Variant Classification Process June 2021. Collection method: clinical testing. Allele origin: germline. Affected: yes.
Comment: Not observed at significant frequency in large population cohorts (gnomAD); In silico analysis supports that this missense variant has a deleterious effect on protein structure/function; In silico analysis supports a deleterious effect on splicing; Has not been previously published as pathogenic or benign to our knowledge

NM_005273.4(GNB2):c.712G>A (p.Gly238Ser)

Gene: GNB2 (G protein subunit beta 2; plus strand). Cytogenetic location: 7q22.1.
Variant type: single nucleotide variant.
Coding change: c.712G>A on transcript NM_005273.4 (MANE Select); coding-DNA position 712, G replaced by A.
Protein change: p.Gly238Ser; replaces glycine 238 with serine.
Molecular consequence: missense variant.
Genome position (GRCh38, 1-based): chr7:100,678,410, G>A. VCF-style: chr7-100678410-G-A. GRCh37 (hg19) VCF-style: chr7-100276033-G-A.
Other names: short protein forms G238S.
Identifiers: ClinVar variation 3375839 (VCV003375839.1).